The following is an entry in ClinVar:

NM_003098.3(SNTA1):c.719C>T (p.Ser240Leu)

Gene: SNTA1 (syntrophin alpha 1; minus strand). Cytogenetic location: 20q11.21.
Variant type: single nucleotide variant.
Coding change: c.719C>T on transcript NM_003098.3 (MANE Select); coding-DNA position 719, C replaced by T.
Protein change: p.Ser240Leu; replaces serine 240 with leucine.
Molecular consequence: missense variant.
Genome position (GRCh38, 1-based): chr20:33,412,765, G>A on the plus strand (C>T on the coding strand, the complement: SNTA1 is on the minus strand). VCF-style: chr20-33412765-G-A. GRCh37 (hg19) VCF-style: chr20-32000571-G-A.
Other names: short protein forms S240L.
Identifiers: ClinVar variation 949030 (VCV000949030.13), dbSNP rs35168199, ClinGen allele CA9817156.

ClinVar aggregate classification (germline): Uncertain significance. Review status: criteria provided, multiple submitters, no conflicts (2 of 4 stars). 3 submissions from 3 submitters: Uncertain significance (3). Last evaluated 2025-08-01.

Conditions:
Cardiovascular phenotype. Identifiers: MedGen CN230736.
Long QT syndrome (LQTS). Identifiers: MedGen C0023976, MeSH D008133, MONDO:0002442. Disease mechanism: loss of function. Inheritance: Various modes of inheritance.
Long QT syndrome 12 (LQT12). Identifiers: Orphanet 101016, Orphanet 768, MedGen C2751830, MONDO:0013062, OMIM 612955.

Allele frequency attached by ClinVar (database versions not stated): gnomAD 0.00001 and 0.00003; gnomAD exomes 0.00001; ExAC 0.00002; TOPMed 0.00003; 1000 Genomes Project 30x 0.00016; 1000 Genomes Project 0.00020.

Submissions (3):

Labcorp Genetics (formerly Invitae), Labcorp
Classification: Uncertain significance for Long QT syndrome. Last evaluated: 2025-08-01. Review status: criteria provided, single submitter. Criteria: Invitae Variant Classification Sherloc (09022015). Collection method: clinical testing. Allele origin: germline.
Comment: This sequence change replaces serine, which is neutral and polar, with leucine, which is neutral and non-polar, at codon 240 of the SNTA1 protein (p.Ser240Leu). The frequency data for this variant in the population databases is considered unreliable, as metrics indicate poor data quality at this position in the gnomAD database. This variant has not been reported in the literature in individuals affected with SNTA1-related conditions. ClinVar contains an entry for this variant (Variation ID: 949030). Invitae Evidence Modeling of protein sequence and biophysical properties (such as structural, functional, and spatial information, amino acid conservation, physicochemical variation, residue mobility, and thermodynamic stability) indicates that this missense variant is expected to disrupt SNTA1 protein function with a positive predictive value of 80%. In summary, the available evidence is currently insufficient to determine the role of this variant in disease. Therefore, it has been classified as a Variant of Uncertain Significance.

Ambry Genetics
Classification: Uncertain significance for Cardiovascular phenotype. Last evaluated: 2025-03-31. Review status: criteria provided, single submitter. Criteria: Ambry Variant Classification Scheme 2023. Collection method: clinical testing. Allele origin: germline.
Comment: The p.S240L variant (also known as c.719C>T), located in coding exon 4 of the SNTA1 gene, results from a C to T substitution at nucleotide position 719. The serine at codon 240 is replaced by leucine, an amino acid with dissimilar properties. This amino acid position is conserved. In addition, the in silico prediction for this alteration is inconclusive. Based on the available evidence, the clinical significance of this variant remains unclear.

Fulgent Genetics
Classification: Uncertain significance for Long QT syndrome 12. Last evaluated: 2021-09-20. Review status: criteria provided, single submitter. Criteria: ACMG Guidelines, 2015. Collection method: clinical testing. Allele origin: unknown.